The following is an entry in ClinVar:

ClinVar aggregate classification (germline): Uncertain significance (1 of 4 stars; one submission).

Conditions:
Brugada syndrome. Also called: Sudden Unexplained Death Syndrome; Sudden Unexplained Nocturnal Death Syndrome (SUNDS); Sudden unexplained nocturnal death syndrome; Sudden unexpected nocturnal death syndrome. Identifiers: Orphanet 130, MedGen C1142166, MONDO:0015263.

gnomAD v4.1: 6 of 1,607,870 alleles (0.00037%); highest among the groups gnomAD compares: South Asian, 0.0022%; no homozygotes.

Submission:

Labcorp Genetics (formerly Invitae), Labcorp
Classification: Uncertain significance for Brugada syndrome. Last evaluated: 2025-01-31. Review status: criteria provided, single submitter. Criteria: Invitae Variant Classification Sherloc (09022015). Collection method: clinical testing. Allele origin: germline.
Comment: This sequence change replaces aspartic acid, which is acidic and polar, with asparagine, which is neutral and polar, at codon 444 of the SLMAP protein (p.Asp444Asn). This variant is not present in population databases (gnomAD no frequency). This variant has not been reported in the literature in individuals affected with SLMAP-related conditions. ClinVar contains an entry for this variant (Variation ID: 532097). An algorithm developed to predict the effect of missense changes on protein structure and function (PolyPhen-2) suggests that this variant is likely to be disruptive. In summary, the available evidence is currently insufficient to determine the role of this variant in disease. Therefore, it has been classified as a Variant of Uncertain Significance.

NM_001377540.1(SLMAP):c.1432G>A (p.Asp478Asn)

Gene: SLMAP (sarcolemma associated protein; plus strand). Cytogenetic location: 3p14.3.
Variant type: single nucleotide variant.
Coding change: c.1432G>A on transcript NM_001377540.1 (MANE Select); coding-DNA position 1432, G replaced by A.
Protein change: p.Asp478Asn; replaces aspartic acid 478 with asparagine.
Molecular consequence: missense variant. On other transcripts: 5 prime UTR variant (7), non-coding transcript variant (1).
Genome position (GRCh38, 1-based): chr3:57,896,582, G>A. VCF-style: chr3-57896582-G-A. GRCh37 (hg19) VCF-style: chr3-57882309-G-A.
Other names: c.1381G>A, p.Asp461Asn (NM_001304420.3, NM_001377541.1, NM_001377542.1 and 2 more transcripts); c.1267G>A, p.Asp423Asn (NM_001304421.2, NM_001377557.1, NM_001377559.1 and 1 more transcripts); c.-18G>A (NM_001304422.3, NM_001304423.3, NM_001311178.2 and 4 more transcripts); c.1432G>A, p.Asp478Asn (NM_001377538.1, NM_001377539.1, NM_001377555.1); c.1369G>A, p.Asp457Asn (NM_001377545.1, NM_001377922.1); c.1330G>A, p.Asp444Asn (NM_001377549.1, NM_001377923.1, NM_007159.5); c.1318G>A, p.Asp440Asn (NM_001377551.1, NM_001377552.1, NM_001377924.1); short protein forms D444N, D461N, D423N, D440N, D457N, D478N.
Identifiers: ClinVar variation 532097 (VCV000532097.3), dbSNP rs1016820088, ClinGen allele CA353412169.
Genomic context (GRCh38, chr3:57,896,582, plus strand): 5'-AGAGCAAAAGAATCTGATTTTTCAGATACTCTGAGTCCAAGCAAGGAAAAAAGCAGTGAC[G>A]ACACTACAGGTGAGTTTTAACCTAATGTTTACAGACCTGCAGCTGTTAATGGCAGTTTAG-3'
Protein context (NP_001364469.1, residues 468-488): LSPSKEKSSD[Asp478Asn]TTDAQMDEQD